The following is an entry in ClinVar:

ClinVar aggregate classification (germline): Uncertain significance (1 of 4 stars; one submission).

Submission:

Ambry Genetics
Classification: Uncertain significance. Last evaluated: 2026-05-20. Review status: criteria provided, single submitter. Criteria: Ambry Variant Classification Scheme 2023. Collection method: clinical testing. Allele origin: germline.
Comment: The p.P892S variant (also known as c.2674C>T), located in coding exon 11 of the WNK2 gene, results from a C to T substitution at nucleotide position 2674. The proline at codon 892 is replaced by serine, an amino acid with similar properties. This amino acid position is conserved. In addition, this alteration is predicted to be tolerated by in silico analysis. Based on the available evidence, the clinical significance of this variant remains unclear.

NM_006648.4(WNK2):c.2674C>T (p.Pro892Ser)

Gene: WNK2 (WNK lysine deficient protein kinase 2; plus strand). Cytogenetic location: 9q22.31.
Variant type: single nucleotide variant.
Coding change: c.2674C>T on transcript NM_006648.4 (MANE Select); coding-DNA position 2674, C replaced by T.
Protein change: p.Pro892Ser; replaces proline 892 with serine.
Molecular consequence: missense variant.
Genome position (GRCh38, 1-based): chr9:93,259,222, C>T. VCF-style: chr9-93259222-C-T. GRCh37 (hg19) VCF-style: chr9-96021504-C-T.
Other names: c.2674C>T, p.Pro892Ser (NM_001282394.3); short protein forms P892S.
Identifiers: ClinVar variation 4866689 (VCV004866689.1).
Genomic context (GRCh38, chr9:93,259,222, plus strand): 5'-CCCTGCCGGACCATTGTGCCAAATGCACCGGCCACTATCCCCCTGCTGGCCGTAGCCCCA[C>T]CGGGCGTGGCTGCCCTGTCCATTCATTCTGCCGTGGCCCAGCTCCCAGGCCAACCTGTGT-3'
Protein context (NP_006639.3, residues 882-902): ATIPLLAVAP[Pro892Ser]GVAALSIHSA